The following is an entry in ClinVar:

NM_016562.4(TLR7):c.1325T>C (p.Val442Ala)

Gene: TLR7 (toll like receptor 7; plus strand). Cytogenetic location: Xp22.2.
Variant type: single nucleotide variant.
Coding change: c.1325T>C on transcript NM_016562.4 (MANE Select); coding-DNA position 1325, T replaced by C.
Protein change: p.Val442Ala; replaces valine 442 with alanine.
Molecular consequence: missense variant.
Genome position (GRCh38, 1-based): chrX:12,886,833, T>C. VCF-style: chrX-12886833-T-C. GRCh37 (hg19) VCF-style: chrX-12904952-T-C.
Other names: short protein forms V442A.
Identifiers: ClinVar variation 2742354 (VCV002742354.4), dbSNP rs1389850527, ClinGen allele CA412407383.
Genomic context (GRCh38, chrX:12,886,833, plus strand): 5'-GACTGAAAGTCATAGATCTTTCAGTGAATAAAATATCACCTTCAGGAGATTCAAGTGAAG[T>C]TGGCTTCTGCTCAAATGCCAGAACTTCTGTAGAAAGTTATGAACCCCAGGTCCTGGAACA-3'
Protein context (NP_057646.1, residues 432-452): KISPSGDSSE[Val442Ala]GFCSNARTSV

ClinVar aggregate classification (germline): Uncertain significance. Review status: criteria provided, multiple submitters, no conflicts (2 of 4 stars). 2 submissions from 2 submitters: Uncertain significance (2). Last evaluated 2024-09-09.

Allele frequency attached by ClinVar (database versions not stated): gnomAD exomes below 0.00001.
gnomAD v4.1: 1 of 1,210,770 alleles (0.000083%); highest among the groups gnomAD compares: Non-Finnish European, 0.00011%; no homozygotes.

Submissions (2):

Greenwood Genetic Center Diagnostic Laboratories, Greenwood Genetic Center
Classification: Uncertain significance. Last evaluated: 2024-09-09. Review status: criteria provided, single submitter. Criteria: ACMG Guidelines, 2015. Collection method: clinical testing. Allele origin: germline. Affected: yes.
Comment: PM2, BP4

Labcorp Genetics (formerly Invitae), Labcorp
Classification: Uncertain significance. Last evaluated: 2023-07-21. Review status: criteria provided, single submitter. Criteria: Invitae Variant Classification Sherloc (09022015). Collection method: clinical testing. Allele origin: germline.
Comment: This sequence change replaces valine, which is neutral and non-polar, with alanine, which is neutral and non-polar, at codon 442 of the TLR7 protein (p.Val442Ala). In summary, the available evidence is currently insufficient to determine the role of this variant in disease. Therefore, it has been classified as a Variant of Uncertain Significance. Algorithms developed to predict the effect of missense changes on protein structure and function output the following: SIFT: "Not Available"; PolyPhen-2: "Benign"; Align-GVGD: "Not Available". The alanine amino acid residue is found in multiple mammalian species, which suggests that this missense change does not adversely affect protein function. This variant has not been reported in the literature in individuals affected with TLR7-related conditions. This variant is not present in population databases (gnomAD no frequency).